The following is an entry in ClinVar:

NM_006939.4(SOS2):c.705T>G (p.Phe235Leu)

Gene: SOS2 (SOS Ras/Rho guanine nucleotide exchange factor 2; minus strand). Cytogenetic location: 14q21.3.
Variant type: single nucleotide variant.
Coding change: c.705T>G on transcript NM_006939.4 (MANE Select); coding-DNA position 705, T replaced by G.
Protein change: p.Phe235Leu; replaces phenylalanine 235 with leucine.
Molecular consequence: missense variant.
Genome position (GRCh38, 1-based): chr14:50,188,506, A>C on the plus strand (T>G on the coding strand, the complement: SOS2 is on the minus strand). VCF-style: chr14-50188506-A-C. GRCh37 (hg19) VCF-style: chr14-50655224-A-C.
Other names: c.705T>G, p.Phe235Leu (NM_001411020.1); short protein forms F235L.
Identifiers: ClinVar variation 1756952 (VCV001756952.7), dbSNP rs766413225, ClinGen allele CA7177472.
Genomic context (GRCh38, chr14:50,188,506, plus strand): 5'-TGGTCTGGTTTTTTGGGGTACACAGAATTTCAAACCCAAAAAGGTACTTACAGAAGGTTT[A>C]AACAGCTTTCTATCAGAAAGAAAGGCTTCTCGAAACACTTTTATGATCATATTTAATTCC-3'
Protein context (NP_008870.2, residues 225-245): REAFLSDRKL[Phe235Leu]KPSDIEKIFS

ClinVar aggregate classification (germline): Conflicting classifications of pathogenicity. Review status: criteria provided, conflicting classifications (1 of 4 stars). 2 submissions from 2 submitters: Uncertain significance (1); Benign (1). Last evaluated 2022-08-20.

Conditions:
Noonan syndrome 9 (NS9). Identifiers: Orphanet 648, MedGen C4225282, MONDO:0014691, OMIM 616559.
Cardiovascular phenotype. Identifiers: MedGen CN230736.

Allele frequency attached by ClinVar (database versions not stated): gnomAD exomes below 0.00001; ExAC 0.00001; gnomAD 0.00001; TOPMed 0.00001.
gnomAD v4.1: 2 of 1,599,088 alleles (0.00013%); highest among the groups gnomAD compares: African/African-American, 0.0027%; no homozygotes.

Submissions (2):

Labcorp Genetics (formerly Invitae), Labcorp
Classification: Benign for Noonan syndrome 9. Last evaluated: 2022-08-20. Review status: criteria provided, single submitter. Criteria: Invitae Variant Classification Sherloc (09022015). Collection method: clinical testing. Allele origin: germline.

Ambry Genetics
Classification: Uncertain significance for Cardiovascular phenotype. Last evaluated: 2021-10-16. Review status: criteria provided, single submitter. Criteria: Ambry Variant Classification Scheme 2023. Collection method: clinical testing. Allele origin: germline.
Comment: The p.F235L variant (also known as c.705T>G), located in coding exon 5 of the SOS2 gene, results from a T to G substitution at nucleotide position 705. The phenylalanine at codon 235 is replaced by leucine, an amino acid with highly similar properties. This amino acid position is conserved. In addition, the in silico prediction for this alteration is inconclusive. Since supporting evidence is limited at this time, the clinical significance of this alteration remains unclear.